The following is an entry in ClinVar:

NM_001276270.2(MBD4):c.1160C>T (p.Ser387Leu)

Gene: MBD4 (methyl-CpG binding domain 4, DNA glycosylase; minus strand). Cytogenetic location: 3q21.3.
Variant type: single nucleotide variant.
Coding change: c.1160C>T on transcript NM_001276270.2 (MANE Select); coding-DNA position 1160, C replaced by T.
Protein change: p.Ser387Leu; replaces serine 387 with leucine.
Molecular consequence: missense variant. On other transcripts: intron variant (1).
Genome position (GRCh38, 1-based): chr3:129,436,484, G>A on the plus strand (C>T on the coding strand, the complement: MBD4 is on the minus strand). VCF-style: chr3-129436484-G-A. GRCh37 (hg19) VCF-style: chr3-129155327-G-A.
Other names: c.1160C>T (NM_003925.1); c.1160C>T, p.Ser387Leu (NM_001276271.2, NM_001276272.2, NM_003925.3); c.247+1324C>T (NM_001276273.2); short protein forms S387L.
Identifiers: ClinVar variation 1338066 (VCV001338066.10), dbSNP rs200169155, ClinGen allele CA2605408.
Genomic context (GRCh38, chr3:129,436,484, plus strand): 5'-GCTTGAAAGCACTGGATACCTTGAAATATTTTCTCACCAGTGAAGTCTTTCCTGGTTGGT[G>A]AGCAGTTGTTGTCCATTTCAGAGCCACGTTTTAAAATGTCAGTATGCAAATGTTCTTTCC-3'
Protein context (NP_001263199.1, residues 377-397): KRGSEMDNNC[Ser387Leu]PTRKDFTEDT

ClinVar aggregate classification (germline): Uncertain significance. Review status: criteria provided, multiple submitters, no conflicts (2 of 4 stars). 5 submissions from 5 submitters: Uncertain significance (5). Last evaluated 2026-06-01.

Conditions:
Tumor predisposition syndrome 2 (TPDS2). Also called: MBD4-ASSOCIATED NEOPLASIA SYNDROME; MBD4-Related Tumor Predisposition Syndrome; MBD4-associated neoplasia syndrome (MANS). Identifiers: Orphanet 661526, MedGen C5774186, MONDO:0859267, OMIM 619975.
Melanoma, uveal, susceptibility to, 1 (UVM1). Identifiers: Orphanet 39044, MedGen C1847724, MONDO:0011695, OMIM 606660. Disease mechanism: loss of function.
MBD4-related disorder. Also called: MBD4-related condition.
Inborn genetic diseases. Identifiers: MedGen C0950123, MeSH D030342.

Allele frequency attached by ClinVar (database versions not stated): TOPMed 0.00005; gnomAD exomes 0.00008 and 0.00011; gnomAD 0.00009 and 0.00010; ExAC 0.00016.
gnomAD v4.1: 132 of 1,614,068 alleles (0.0082%); highest among the groups gnomAD compares: Non-Finnish European, 0.0081%; no homozygotes.

Submissions (5):

PreventionGenetics, part of Exact Sciences
Classification: Uncertain significance for MBD4-related condition. Last evaluated: 2026-06-01. Review status: criteria provided, single submitter. Criteria: ACMG Guidelines, 2015. Collection method: clinical testing. Allele origin: germline.
Comment: The MBD4 c.1160C>T variant is predicted to result in the amino acid substitution p.Ser387Leu. To our knowledge, this variant has not been reported in the literature. This variant is reported in 0.048% of alleles in individuals of European (Finnish) descent in gnomAD. This variant is interpreted as uncertain in ClinVar (Variation ID: 1338066). At this time, the clinical significance of this variant is uncertain due to the absence of conclusive functional and genetic evidence.

Labcorp Genetics (formerly Invitae), Labcorp
Classification: Uncertain significance. Last evaluated: 2026-01-25. Review status: criteria provided, single submitter. Criteria: Invitae Variant Classification Sherloc (09022015). Collection method: clinical testing. Allele origin: germline.
Comment: This sequence change replaces serine, which is neutral and polar, with leucine, which is neutral and non-polar, at codon 387 of the MBD4 protein (p.Ser387Leu). This variant is present in population databases (rs200169155, gnomAD 0.06%). This variant has not been reported in the literature in individuals affected with MBD4-related conditions. ClinVar contains an entry for this variant (Variation ID: 1338066). An algorithm developed to predict the effect of missense changes on protein structure and function outputs the following: PolyPhen-2: "Benign". The leucine amino acid residue is found in multiple mammalian species, which suggests that this missense change does not adversely affect protein function. In summary, the available evidence is currently insufficient to determine the role of this variant in disease. Therefore, it has been classified as a Variant of Uncertain Significance.

Fulgent Genetics
Classification: Uncertain significance for Melanoma, uveal, susceptibility to, 1; Tumor predisposition syndrome 2. Last evaluated: 2024-05-29. Review status: criteria provided, single submitter. Criteria: ACMG Guidelines, 2015. Collection method: clinical testing. Allele origin: germline.

Ambry Genetics
Classification: Uncertain significance for Inborn genetic diseases. Last evaluated: 2023-11-17. Review status: criteria provided, single submitter. Criteria: Ambry Variant Classification Scheme 2023. Collection method: clinical testing. Allele origin: germline.

Genetic Services Laboratory, University of Chicago
Classification: Uncertain significance. Last evaluated: 2021-09-17. Review status: criteria provided, single submitter. Criteria: ACMG Guidelines, 2015. Collection method: clinical testing. Allele origin: germline. Affected: no.
Comment: DNA sequence analysis of the MBD4 gene demonstrated a sequence change, c.1160C>T, in exon 3 that results in an amino acid change, p.Ser387Leu. This sequence change does not appear to have been previously described in individuals with MBD4-related disorders. This sequence change has been described in the gnomAD database with a low frequency of 0.048% in Finnish European subpopulation (dbSNP rs200169155). The p.Ser387Leu change affects a highly conserved amino acid residue located in a domain of the MBD4 protein that is known to be functional. In-silico pathogenicity prediction tools (SIFT, PolyPhen2, Align GVGD, REVEL) provide contradictory results for the p.Ser387Leu substitution. Due to the lack of sufficient evidence, the clinical significance of the p.Ser387Leu change remains unknown at this time.